The following is an entry in ClinVar:

NM_000062.3(SERPING1):c.655A>C (p.Thr219Pro)

Gene: SERPING1 (serpin family G member 1; plus strand). Cytogenetic location: 11q12.1.
Variant type: single nucleotide variant.
Coding change: c.655A>C on transcript NM_000062.3 (MANE Select); coding-DNA position 655, A replaced by C.
Protein change: p.Thr219Pro; replaces threonine 219 with proline.
Molecular consequence: missense variant.
Genome position (GRCh38, 1-based): chr11:57,602,139, A>C. VCF-style: chr11-57602139-A-C. GRCh37 (hg19) VCF-style: chr11-57369612-A-C.
Other names: c.655A>C, p.Thr219Pro (NM_001032295.2); short protein forms T219P.
Identifiers: ClinVar variation 2061468 (VCV002061468.4), dbSNP rs2495431180, ClinGen allele CA380697399.
Genomic context (GRCh38, chr11:57,602,139, plus strand): 5'-TACCCCAAGGACTTCACCTGTGTCCACCAGGCCCTGAAGGGCTTCACGACCAAAGGTGTC[A>C]CCTCAGTCTCTCAGATCTTCCACAGCCCAGGTGAGTGCCCAGGAATGGGCAGTGTCTGCA-3'
Protein context (NP_000053.2, residues 209-229): ALKGFTTKGV[Thr219Pro]SVSQIFHSPD

ClinVar aggregate classification (germline): Uncertain significance (1 of 4 stars; one submission).

Submission:

Labcorp Genetics (formerly Invitae), Labcorp
Classification: Uncertain significance. Last evaluated: 2022-11-15. Review status: criteria provided, single submitter. Criteria: Invitae Variant Classification Sherloc (09022015). Collection method: clinical testing. Allele origin: germline.
Comment: In summary, the available evidence is currently insufficient to determine the role of this variant in disease. Therefore, it has been classified as a Variant of Uncertain Significance. Advanced modeling of protein sequence and biophysical properties (such as structural, functional, and spatial information, amino acid conservation, physicochemical variation, residue mobility, and thermodynamic stability) performed at Invitae indicates that this missense variant is expected to disrupt SERPING1 protein function. This variant has not been reported in the literature in individuals affected with SERPING1-related conditions. This variant is not present in population databases (gnomAD no frequency). This sequence change replaces threonine, which is neutral and polar, with proline, which is neutral and non-polar, at codon 219 of the SERPING1 protein (p.Thr219Pro).